The following is an entry in ClinVar:

ClinVar aggregate classification (germline): Pathogenic (1 of 4 stars; one submission).

Submission:

Labcorp Genetics (formerly Invitae), Labcorp
Classification: Pathogenic. Last evaluated: 2022-06-03. Review status: criteria provided, single submitter. Criteria: Invitae Variant Classification Sherloc (09022015). Collection method: clinical testing. Allele origin: germline.
Comment: For these reasons, this variant has been classified as Pathogenic. This variant has not been reported in the literature in individuals affected with COL17A1-related conditions. This variant is present in population databases (no rsID available, gnomAD 0.003%). This sequence change creates a premature translational stop signal (p.Val970Cysfs*9) in the COL17A1 gene. It is expected to result in an absent or disrupted protein product. Loss-of-function variants in COL17A1 are known to be pathogenic (PMID: 16473856, 17344927, 20301304, 21357940, 24319098).

Literature cited by the submitters: PubMed 16473856; PubMed 17344927; PubMed 20301304; PubMed 21357940; PubMed 24319098.

NM_000494.4(COL17A1):c.2906dup (p.Val970fs)

Gene: COL17A1 (collagen type XVII alpha 1 chain; minus strand). Cytogenetic location: 10q25.1.
Variant type: Duplication.
Coding change: c.2906dup on transcript NM_000494.4 (MANE Select); coding-DNA position 2906, one base duplicated (G; older notation c.2906dupG).
Protein change: p.Val970fs; shifts the reading frame from valine 970.
Molecular consequence: frameshift variant.
Genome position (GRCh38, 1-based): chr10:104,039,112, C duplicated on the plus strand (G on the coding strand, the reverse complement: COL17A1 is on the minus strand); the first of 2 consecutive C bases (chr10:104,039,112-104,039,113); duplicating either gives the same sequence. VCF-style (leftmost placement, unchanged base first): chr10-104039111-A-AC. GRCh37 (hg19) VCF-style: chr10-105798869-A-AC.
Other names: short protein forms V970fs.
Identifiers: ClinVar variation 2037431 (VCV002037431.4), dbSNP rs1381042061, ClinGen allele CA595674121.